The following is an entry in ClinVar:

NM_004618.5(TOP3A):c.991-1G>A

Gene: TOP3A (DNA topoisomerase III alpha; minus strand). Cytogenetic location: 17p11.2.
Variant type: single nucleotide variant.
Coding change: c.991-1G>A on transcript NM_004618.5 (MANE Select); the canonical splice acceptor site of the intron before coding-DNA position 991, G replaced by A.
Molecular consequence: splice acceptor variant.
Genome position (GRCh38, 1-based): chr17:18,294,786, C>T on the plus strand (G>A on the coding strand, the complement: TOP3A is on the minus strand). VCF-style: chr17-18294786-C-T. GRCh37 (hg19) VCF-style: chr17-18198100-C-T.
Other names: c.706-1G>A (NM_001320759.2).
Identifiers: ClinVar variation 1694834 (VCV001694834.31), dbSNP rs764959343, ClinGen allele CA8430029.

ClinVar aggregate classification (germline): Likely pathogenic (1 of 4 stars; one submission).

Allele frequency attached by ClinVar (database versions not stated): gnomAD exomes below 0.00001; ExAC 0.00001.
gnomAD v4.1: 1 of 1,612,422 alleles (0.000062%); highest among the groups gnomAD compares: Admixed American, 0.0017%; no homozygotes.

Submission:

CeGaT Center for Human Genetics Tuebingen
Classification: Likely pathogenic. Last evaluated: 2022-05-01. Review status: criteria provided, single submitter. Criteria: CeGaT Center For Human Genetics Tuebingen Variant Classification Criteria Version 2. Collection method: clinical testing. Allele origin: germline. Affected: yes. Observed: 1 variant allele.
Comment: TOP3A: PVS1:Strong, PM2